The following is an entry in ClinVar:

ClinVar aggregate classification (germline): Likely pathogenic (1 of 4 stars; one submission).

Conditions:
Familial dysautonomia. Also called: HSAN III; FD. Identifiers: Orphanet 1764, MedGen C0013364, MONDO:0009131, OMIM 223900. Disease mechanism: loss of function.

Submission:

Myriad Genetics, Inc.
Classification: Likely pathogenic for Familial dysautonomia. Last evaluated: 2021-11-10. Review status: criteria provided, single submitter. Criteria: Myriad Women's Health Autosomal Recessive and X-Linked Classification Criteria (2021). Collection method: clinical testing. Allele origin: unknown.
Comment: NM_003640.3(ELP1):c.1192_1193delAG(R398Gfs*39) is expected to be pathogenic in the context of familial dysautonomia. This variant is predicted to lead to an abnormal or absent protein product due to the creation of a premature termination codon in ELP1, a gene where loss-of-function variants are known to be pathogenic. Please note: this variant was assessed in the context of healthy population screening.

NM_003640.5(ELP1):c.1192_1193del (p.Arg398fs)

Gene: ELP1 (elongator acetyltransferase complex subunit 1; minus strand). Cytogenetic location: 9q31.3.
Variant type: Deletion.
Coding change: c.1192_1193del on transcript NM_003640.5 (MANE Select); coding-DNA positions 1192 to 1193, 2 bases deleted (AG; older notation c.1192_1193delAG).
Protein change: p.Arg398fs; shifts the reading frame from arginine 398.
Molecular consequence: frameshift variant.
Genome position (GRCh38, 1-based): chr9:108,911,177-108,911,178, CT deleted on the plus strand (AG on the coding strand, the reverse complement: ELP1 is on the minus strand). VCF-style (leftmost placement, unchanged base first): chr9-108911176-CCT-C. GRCh37 (hg19) VCF-style: chr9-111673456-CCT-C.
Other names: c.850_851del, p.Arg284fs (NM_001318360.2); c.145_146del, p.Arg49fs (NM_001330749.2); short protein forms R284fs, R398fs, R49fs.
Identifiers: ClinVar variation 1724362 (VCV001724362.2), dbSNP rs2537923248, ClinGen allele CA2580079398.
Genomic context (GRCh38, chr9:108,911,176, plus strand): 5'-CAGTTGGTAGGTGCACATGGGAGGCGGAACCACAGTCTGCCGGAAGACTGTCACCAACAC[CCT>C]GTCTGCAGTGAAAAAGAAAGAAGAGGATTAGACCTAGGGATATTCAATTTGTAAGATAAG-3'